The following is an entry in ClinVar:

ClinVar aggregate classification (germline): Pathogenic (1 of 4 stars; one submission).

Conditions:
Familial cancer of breast. Also called: BREAST CANCER, FAMILIAL; Hereditary breast cancer; hereditary breast carcinoma. Identifiers: Orphanet 227535, MedGen C0346153, MONDO:0016419, OMIM 114480. Disease mechanism: loss of function.

Submission:

Myriad Genetics, Inc.
Classification: Pathogenic for Familial cancer of breast. Last evaluated: 2026-06-18. Review status: criteria provided, single submitter. Criteria: Myriad Autosomal Dominant, Autosomal Recessive and X-Linked Classification Criteria (2023). Collection method: clinical testing. Allele origin: unknown.
Comment: This variant is considered pathogenic. This variant creates a termination codon and is predicted to result in premature protein truncation.

NM_000051.4(ATM):c.8032G>T (p.Gly2678Ter)

Genes: ATM (ATM serine/threonine kinase; plus strand), C11orf65 (chromosome 11 open reading frame 65; minus strand). Cytogenetic location: 11q22.3.
Variant type: single nucleotide variant.
Coding change: c.8032G>T on transcript NM_000051.4 (MANE Select); coding-DNA position 8032, G replaced by T.
Protein change: p.Gly2678Ter; replaces glycine 2678 with a stop codon.
Molecular consequence: nonsense. On other transcripts: intron variant (2).
Genome position (GRCh38, 1-based): chr11:108,334,990, G>T. VCF-style: chr11-108334990-G-T. GRCh37 (hg19) VCF-style: chr11-108205717-G-T.
Other names: c.8032G>T, p.Gly2678Ter (NM_001351834.2); c.641-25919C>A (NM_001330368.2); c.*38+230C>A (NM_001351110.2); short protein forms G2678*.
Identifiers: ClinVar variation 4876000 (VCV004876000.1).